The following is an entry in ClinVar:

NM_001089.3(ABCA3):c.1672G>A (p.Glu558Lys)

Gene: ABCA3 (ATP binding cassette subfamily A member 3; minus strand). Cytogenetic location: 16p13.3.
Variant type: single nucleotide variant.
Coding change: c.1672G>A on transcript NM_001089.3 (MANE Select); coding-DNA position 1672, G replaced by A.
Protein change: p.Glu558Lys; replaces glutamic acid 558 with lysine.
Molecular consequence: missense variant.
Genome position (GRCh38, 1-based): chr16:2,299,472, C>T on the plus strand (G>A on the coding strand, the complement: ABCA3 is on the minus strand). VCF-style: chr16-2299472-C-T. GRCh37 (hg19) VCF-style: chr16-2349473-C-T.
Other names: short protein forms E558K.
Identifiers: ClinVar variation 1510586 (VCV001510586.5), dbSNP rs374908506, ClinGen allele CA7841144.

ClinVar aggregate classification (germline): Uncertain significance (1 of 4 stars; one submission).

Allele frequency attached by ClinVar (database versions not stated): gnomAD 0.00001; gnomAD exomes 0.00002 and 0.00006; TOPMed 0.00003; ExAC 0.00005; ESP Exome Variant Server 0.00008; 1000 Genomes Project 0.00020; 1000 Genomes Project 30x 0.00031.
gnomAD v4.1: 33 of 1,613,890 alleles (0.002%); highest among the groups gnomAD compares: East Asian, 0.027%; no homozygotes.

Submission:

Labcorp Genetics (formerly Invitae), Labcorp
Classification: Uncertain significance. Last evaluated: 2021-08-26. Review status: criteria provided, single submitter. Criteria: Invitae Variant Classification Sherloc (09022015). Collection method: clinical testing. Allele origin: germline.
Comment: This sequence change replaces glutamic acid with lysine at codon 558 of the ABCA3 protein (p.Glu558Lys). The glutamic acid residue is highly conserved and there is a small physicochemical difference between glutamic acid and lysine. This variant is present in population databases (rs374908506, ExAC 0.03%). This variant has not been reported in the literature in individuals affected with ABCA3-related conditions. Algorithms developed to predict the effect of missense changes on protein structure and function are either unavailable or do not agree on the potential impact of this missense change (SIFT: "Deleterious"; PolyPhen-2: "Benign"; Align-GVGD: "Class C0"). In summary, the available evidence is currently insufficient to determine the role of this variant in disease. Therefore, it has been classified as a Variant of Uncertain Significance.